The following is an entry in ClinVar:

ClinVar aggregate classification (germline): Uncertain significance (1 of 4 stars; one submission).

Submission:

Labcorp Genetics (formerly Invitae), Labcorp
Classification: Uncertain significance. Last evaluated: 2025-03-10. Review status: criteria provided, single submitter. Criteria: Invitae Variant Classification Sherloc (09022015). Collection method: clinical testing. Allele origin: germline.
Comment: This sequence change replaces proline, which is neutral and non-polar, with serine, which is neutral and polar, at codon 266 of the FBLN5 protein (p.Pro266Ser). This variant is not present in population databases (gnomAD no frequency). This variant has not been reported in the literature in individuals affected with FBLN5-related conditions. Invitae Evidence Modeling of protein sequence and biophysical properties (such as structural, functional, and spatial information, amino acid conservation, physicochemical variation, residue mobility, and thermodynamic stability) has been performed for this missense variant. However, the output from this modeling did not meet the statistical confidence thresholds required to predict the impact of this variant on FBLN5 protein function. In summary, the available evidence is currently insufficient to determine the role of this variant in disease. Therefore, it has been classified as a Variant of Uncertain Significance.

NM_006329.4(FBLN5):c.796C>T (p.Pro266Ser)

Gene: FBLN5 (fibulin 5; minus strand). Cytogenetic location: 14q32.12.
Variant type: single nucleotide variant.
Coding change: c.796C>T on transcript NM_006329.4 (MANE Select); coding-DNA position 796, C replaced by T.
Protein change: p.Pro266Ser; replaces proline 266 with serine.
Molecular consequence: missense variant.
Genome position (GRCh38, 1-based): chr14:91,883,020, G>A on the plus strand (C>T on the coding strand, the complement: FBLN5 is on the minus strand). VCF-style: chr14-91883020-G-A. GRCh37 (hg19) VCF-style: chr14-92349364-G-A.
Other names: c.919C>T, p.Pro307Ser (NM_001384158.1); c.847C>T, p.Pro283Ser (NM_001384159.1); c.796C>T, p.Pro266Ser (NM_001384160.1); c.628C>T, p.Pro210Ser (NM_001384161.1, NM_001384162.1); short protein forms P283S, P210S, P266S, P307S.
Identifiers: ClinVar variation 4742812 (VCV004742812.1).